The following is an entry in ClinVar:

ClinVar aggregate classification (germline): Pathogenic. Review status: criteria provided, single submitter (1 of 4 stars). 2 submissions from 2 submitters: Pathogenic (1). 1 of the submissions does not count toward it. Last evaluated 2026-04-14.

Conditions:
Niemann-Pick disease, type C1. Also called: NIEMANN-PICK DISEASE, VARIANT TYPE C1; NEUROVISCERAL STORAGE DISEASE WITH VERTICAL SUPRANUCLEAR OPHTHALMOPLEGIA; NIEMANN-PICK DISEASE WITH CHOLESTEROL ESTERIFICATION BLOCK; NIEMANN-PICK DISEASE WITHOUT SPHINGOMYELINASE DEFICIENCY; NIEMANN-PICK DISEASE, CHRONIC NEURONOPATHIC FORM. Identifiers: Orphanet 646, MedGen C3179455, MONDO:0009757, OMIM 257220.

Submissions (2):

Myriad Genetics, Inc.
Classification: Pathogenic for Niemann-Pick disease, type C1. Last evaluated: 2026-04-14. Review status: criteria provided, single submitter. Criteria: Myriad Autosomal Dominant, Autosomal Recessive and X-Linked Classification Criteria (2023). Collection method: clinical testing. Allele origin: unknown.
Comment: NM_000271.4(NPC1):c.3754+1G>A is a variant in a canonical splice site classified as pathogenic in the context of Niemann-Pick disease type C1. c.3754+1G>A has been observed in a case with relevant disease (PMID: 26981555). Relevant functional assessments of this variant are not available in the literature. Internal structural analysis of the variant is supportive of pathogenicity. c.3754+1G>A has not been observed in referenced population frequency databases. In summary, NM_000271.4(NPC1):c.3754+1G>A is a variant in a canonical splice site that has internal structural support for pathogenicity and has been observed more frequently in cases with the relevant disease than in healthy populations. Please note: this variant was assessed in the context of healthy population screening.

Counsyl
Classification: Likely pathogenic for Niemann-Pick disease, type C1. Last evaluated: 2017-03-14. Review status: no assertion criteria provided. Collection method: clinical testing. Allele origin: unknown. Not counted in ClinVar's aggregate classification.

Literature cited by the submitters: PubMed 26981555 (cited by Myriad Genetics, Inc. and Counsyl); PubMed 9927649 (cited by Counsyl).

NM_000271.5(NPC1):c.3754+1G>A

Gene: NPC1 (NPC intracellular cholesterol transporter 1; minus strand). Cytogenetic location: 18q11.2.
Variant type: single nucleotide variant.
Coding change: c.3754+1G>A on transcript NM_000271.5 (MANE Select); the canonical splice donor site of the intron after coding-DNA position 3754, G replaced by A.
Molecular consequence: splice donor variant.
Genome position (GRCh38, 1-based): chr18:23,533,354, C>T on the plus strand (G>A on the coding strand, the complement: NPC1 is on the minus strand). VCF-style: chr18-23533354-C-T. GRCh37 (hg19) VCF-style: chr18-21113318-C-T.
Identifiers: ClinVar variation 550981 (VCV000550981.3), dbSNP rs1555631571, ClinGen allele CA401790488.